The following is an entry in ClinVar:

NM_000179.3(MSH6):c.3486T>C (p.Ala1162=)

Gene: MSH6 (mutS homolog 6; plus strand). Cytogenetic location: 2p16.3.
Variant type: single nucleotide variant.
Coding change: c.3486T>C on transcript NM_000179.3 (MANE Select); coding-DNA position 3486, T replaced by C.
Protein change: p.Ala1162=; no amino-acid change (alanine 1162 retained).
Molecular consequence: synonymous variant.
Genome position (GRCh38, 1-based): chr2:47,804,957, T>C. VCF-style: chr2-47804957-T-C. GRCh37 (hg19) VCF-style: chr2-48032096-T-C.
Other names: c.3096T>C, p.Ala1032= (NM_001281492.2); c.2580T>C, p.Ala860= (NM_001281493.2, NM_001281494.2).
Identifiers: ClinVar variation 416191 (VCV000416191.14), dbSNP rs781119463, ClinGen allele CA16610967.

ClinVar aggregate classification (germline): Benign/Likely benign. Review status: criteria provided, multiple submitters, no conflicts (2 of 4 stars). 4 submissions from 4 submitters: Benign (1); Likely benign (3). Last evaluated 2026-05-27.

Conditions:
Hereditary nonpolyposis colorectal neoplasms. Identifiers: MedGen C0009405, MeSH D003123.
Hereditary cancer-predisposing syndrome. Also called: Hereditary Cancer Syndrome; Tumor predisposition; Hereditary neoplastic syndrome; Neoplastic Syndromes, Hereditary. Identifiers: Orphanet 140162, MedGen C0027672, MeSH D009386, MONDO:0015356.
Lynch syndrome 5 (LYNCH5). Also called: Hereditary non-polyposis colorectal cancer, type 5; Colorectal cancer, hereditary nonpolyposis, type 5. Identifiers: Orphanet 144, MedGen C1833477, MONDO:0013710, OMIM 614350. Disease mechanism: loss of function.

Submissions (4):

Ambry Genetics
Classification: Likely benign for Hereditary cancer-predisposing syndrome. Last evaluated: 2026-05-27. Review status: criteria provided, single submitter. Criteria: Ambry Variant Classification Scheme 2023. Collection method: clinical testing. Allele origin: germline.

Color Diagnostics, LLC DBA Color Health
Classification: Likely benign for Hereditary cancer-predisposing syndrome. Last evaluated: 2025-08-30. Review status: criteria provided, single submitter. Criteria: ACMG Guidelines, 2015. Collection method: clinical testing. Allele origin: germline.

Myriad Genetics, Inc.
Classification: Benign for Lynch syndrome 5. Last evaluated: 2025-01-07. Review status: criteria provided, single submitter. Criteria: Myriad Autosomal Dominant, Autosomal Recessive and X-Linked Classification Criteria (2023). Collection method: clinical testing. Allele origin: unknown.
Comment: This variant is considered benign. This variant is a silent/synonymous amino acid change and it is not expected to impact splicing.

Labcorp Genetics (formerly Invitae), Labcorp
Classification: Likely benign for Hereditary nonpolyposis colorectal neoplasms. Last evaluated: 2024-11-04. Review status: criteria provided, single submitter. Criteria: Invitae Variant Classification Sherloc (09022015). Collection method: clinical testing. Allele origin: germline.